The following is an entry in ClinVar:

ClinVar aggregate classification (germline): Likely benign (0 of 4 stars; one submission).

Conditions:
TLR4-related disorder. Also called: TLR4-related condition.

Allele frequency attached by ClinVar (database versions not stated): ESP Exome Variant Server 0.00008; TOPMed 0.00028; gnomAD 0.00050; gnomAD exomes 0.00052; ExAC 0.00058; 1000 Genomes Project 0.00100; 1000 Genomes Project 30x 0.00109.
gnomAD v4.1: 830 of 1,613,610 alleles (0.051%); highest among the groups gnomAD compares: East Asian, 0.97%; 7 homozygotes.

Submission:

PreventionGenetics, part of Exact Sciences
Classification: Likely benign for TLR4-related condition. Last evaluated: 2023-06-08. Review status: no assertion criteria provided. Collection method: clinical testing. Allele origin: germline.
Comment: This variant is classified as likely benign based on ACMG/AMP sequence variant interpretation guidelines (Richards et al. 2015 PMID: 25741868, with internal and published modifications).

NM_138554.5(TLR4):c.523A>G (p.Thr175Ala)

Gene: TLR4 (toll like receptor 4; plus strand). Cytogenetic location: 9q33.1.
Variant type: single nucleotide variant.
Coding change: c.523A>G on transcript NM_138554.5 (MANE Select); coding-DNA position 523, A replaced by G.
Protein change: p.Thr175Ala; replaces threonine 175 with alanine.
Molecular consequence: missense variant. On other transcripts: 5 prime UTR variant (1).
Genome position (GRCh38, 1-based): chr9:117,712,651, A>G. VCF-style: chr9-117712651-A-G. GRCh37 (hg19) VCF-style: chr9-120474929-A-G.
Other names: c.403A>G, p.Thr135Ala (NM_003266.4); c.-78A>G (NM_138557.3); short protein forms T135A, T175A.
Identifiers: ClinVar variation 3033547 (VCV003033547.2), dbSNP rs16906079, ClinGen allele CA5212233.